The following is an entry in ClinVar:

ClinVar aggregate classification (germline): Uncertain significance (1 of 4 stars; one submission).

Conditions:
Catecholaminergic polymorphic ventricular tachycardia 1. Also called: VENTRICULAR TACHYCARDIA, CATECHOLAMINERGIC POLYMORPHIC, 1, WITH OR WITHOUT ATRIAL DYSFUNCTION AND/OR DILATED CARDIOMYOPATHY; RYR2-Related Catecholaminergic Polymorphic Ventricular Tachycardia; VENTRICULAR TACHYCARDIA, STRESS-INDUCED POLYMORPHIC 1. Identifiers: Orphanet 3286, MedGen C1631597, MONDO:0011484, OMIM 604772.

gnomAD v4.1: 2 of 1,613,058 alleles (0.00012%); highest among the groups gnomAD compares: Non-Finnish European, 0.00017%; no homozygotes.

Submission:

Labcorp Genetics (formerly Invitae), Labcorp
Classification: Uncertain significance for Catecholaminergic polymorphic ventricular tachycardia 1. Last evaluated: 2021-08-15. Review status: criteria provided, single submitter. Criteria: Invitae Variant Classification Sherloc (09022015). Collection method: clinical testing. Allele origin: germline.
Comment: This sequence change replaces leucine with isoleucine at codon 636 of the RYR2 protein (p.Leu636Ile). The leucine residue is highly conserved and there is a small physicochemical difference between leucine and isoleucine. This variant is not present in population databases (ExAC no frequency). In summary, the available evidence is currently insufficient to determine the role of this variant in disease. Therefore, it has been classified as a Variant of Uncertain Significance. Advanced modeling of protein sequence and biophysical properties (such as structural, functional, and spatial information, amino acid conservation, physicochemical variation, residue mobility, and thermodynamic stability) performed at Invitae indicates that this missense variant is expected to disrupt RYR2 protein function. This variant has not been reported in the literature in individuals affected with RYR2-related conditions.

NM_001035.3(RYR2):c.1906C>A (p.Leu636Ile)

Gene: RYR2 (ryanodine receptor 2; plus strand). Cytogenetic location: 1q43.
Variant type: single nucleotide variant.
Coding change: c.1906C>A on transcript NM_001035.3 (MANE Select); coding-DNA position 1906, C replaced by A.
Protein change: p.Leu636Ile; replaces leucine 636 with isoleucine.
Molecular consequence: missense variant.
Genome position (GRCh38, 1-based): chr1:237,493,032, C>A. VCF-style: chr1-237493032-C-A. GRCh37 (hg19) VCF-style: chr1-237656332-C-A.
Other names: short protein forms L636I.
Identifiers: ClinVar variation 1498489 (VCV001498489.7), dbSNP rs2150421908, ClinGen allele CA345389602.